The following is an entry in ClinVar:

ClinVar aggregate classification (germline): Uncertain significance (1 of 4 stars; one submission).

Conditions:
Inborn genetic diseases. Identifiers: MedGen C0950123, MeSH D030342.

Submission:

Ambry Genetics
Classification: Uncertain significance for Inborn genetic diseases. Last evaluated: 2025-06-08. Review status: criteria provided, single submitter. Criteria: Ambry Variant Classification Scheme 2023. Collection method: clinical testing. Allele origin: germline.
Comment: The p.T96P variant (also known as c.286A>C), located in coding exon 5 of the ASXL1 gene, results from an A to C substitution at nucleotide position 286. The threonine at codon 96 is replaced by proline, an amino acid with highly similar properties. This amino acid position is conserved. In addition, this alteration is predicted to be tolerated by in silico analysis. Based on the available evidence, the clinical significance of this variant remains unclear.

NM_015338.6(ASXL1):c.286A>C (p.Thr96Pro)

Gene: ASXL1 (ASXL transcriptional regulator 1; plus strand). Cytogenetic location: 20q11.21.
Variant type: single nucleotide variant.
Coding change: c.286A>C on transcript NM_015338.6 (MANE Select); coding-DNA position 286, A replaced by C.
Protein change: p.Thr96Pro; replaces threonine 96 with proline.
Molecular consequence: missense variant.
Genome position (GRCh38, 1-based): chr20:32,428,161, A>C. VCF-style: chr20-32428161-A-C. GRCh37 (hg19) VCF-style: chr20-31015964-A-C.
Other names: c.256A>C, p.Thr86Pro (NM_001363734.1); short protein forms T96P, T86P.
Identifiers: ClinVar variation 3957716 (VCV003957716.1).